The following is an entry in ClinVar:

NM_025179.4(PLXNA2):c.2466G>T (p.Glu822Asp)

Gene: PLXNA2 (plexin A2; minus strand). Cytogenetic location: 1q32.2.
Variant type: single nucleotide variant.
Coding change: c.2466G>T on transcript NM_025179.4 (MANE Select); coding-DNA position 2466, G replaced by T.
Protein change: p.Glu822Asp; replaces glutamic acid 822 with aspartic acid.
Molecular consequence: missense variant.
Genome position (GRCh38, 1-based): chr1:208,079,380, C>A on the plus strand (G>T on the coding strand, the complement: PLXNA2 is on the minus strand). VCF-style: chr1-208079380-C-A. GRCh37 (hg19) VCF-style: chr1-208252725-C-A.
Other names: c.2466G>T (NM_025179.3); short protein forms E822D.
Identifiers: ClinVar variation 2413617 (VCV002413617.8), dbSNP rs140708630, ClinGen allele CA1373506.
Genomic context (GRCh38, chr1:208,079,380, plus strand): 5'-GGAAGGGCTGGTACAGTGCTGGTGGAGGGTGCACCTGCGCTCGCCGCTGCACCAGCCACA[C>A]TCAAACTTCCGGTCGGCCTTGAGGCAGAGGCCGCAGCTCTCCCGCTGGGCTGCACACTTG-3'
Protein context (NP_079455.3, residues 812-832): GLCLKADRKF[Glu822Asp]CGWCSGERRC

ClinVar aggregate classification (germline): Uncertain significance. Review status: criteria provided, single submitter (1 of 4 stars). 2 submissions from 2 submitters: Uncertain significance (1). 1 of the submissions does not count toward it. Last evaluated 2022-04-14.

Conditions:
PLXNA2-related disorder. Also called: PLXNA2-related condition.

Allele frequency attached by ClinVar (database versions not stated): ExAC 0.00002; gnomAD 0.00007; TOPMed 0.00007; ESP Exome Variant Server 0.00008.
gnomAD v4.1: 96 of 1,613,750 alleles (0.0059%); highest among the groups gnomAD compares: Non-Finnish European, 0.0078%; no homozygotes.

Submissions (2):

Labcorp Genetics (formerly Invitae), Labcorp
Classification: Uncertain significance. Last evaluated: 2022-04-14. Review status: criteria provided, single submitter. Criteria: Invitae Variant Classification Sherloc (09022015). Collection method: clinical testing. Allele origin: germline.
Comment: In summary, the available evidence is currently insufficient to determine the role of this variant in disease. Therefore, it has been classified as a Variant of Uncertain Significance. Algorithms developed to predict the effect of missense changes on protein structure and function (SIFT, PolyPhen-2, Align-GVGD) all suggest that this variant is likely to be tolerated. This variant has not been reported in the literature in individuals affected with PLXNA2-related conditions. This variant is present in population databases (rs140708630, gnomAD 0.007%). This sequence change replaces glutamic acid, which is acidic and polar, with aspartic acid, which is acidic and polar, at codon 822 of the PLXNA2 protein (p.Glu822Asp).

PreventionGenetics, part of Exact Sciences
Classification: Uncertain significance for PLXNA2-related condition. Last evaluated: 2024-09-24. Review status: no assertion criteria provided. Collection method: clinical testing. Allele origin: germline. Not counted in ClinVar's aggregate classification.
Comment: The PLXNA2 c.2466G>T variant is predicted to result in the amino acid substitution p.Glu822Asp. To our knowledge, this variant has not been reported in the literature. This variant is reported in 0.0078% of alleles in individuals of European (Non-Finnish) descent in gnomAD. At this time, the clinical significance of this variant is uncertain due to the absence of conclusive functional and genetic evidence.